The following is an entry in ClinVar:

ClinVar aggregate classification (germline): Uncertain significance. Review status: criteria provided, multiple submitters, no conflicts (2 of 4 stars). 3 submissions from 3 submitters: Uncertain significance (3). Last evaluated 2022-03-15.

Conditions:
Retinitis pigmentosa 78 (RP78). Identifiers: MedGen C4479481, MONDO:0044314, OMIM 617433.

Allele frequency attached by ClinVar (database versions not stated): gnomAD exomes 0.00001 and 0.00002; ExAC 0.00002; TOPMed 0.00002; gnomAD 0.00003 and 0.00004; ESP Exome Variant Server 0.00015; 1000 Genomes Project 0.00020; 1000 Genomes Project 30x 0.00031.
gnomAD v4.1: 19 of 1,613,698 alleles (0.0012%); highest among the groups gnomAD compares: East Asian, 0.013%; no homozygotes.

Submissions (3):

Fulgent Genetics
Classification: Uncertain significance for Retinitis pigmentosa 78. Last evaluated: 2022-03-15. Review status: criteria provided, single submitter. Criteria: ACMG Guidelines, 2015. Collection method: clinical testing. Allele origin: unknown.

Labcorp Genetics (formerly Invitae), Labcorp
Classification: Uncertain significance. Last evaluated: 2021-11-25. Review status: criteria provided, single submitter. Criteria: Invitae Variant Classification Sherloc (09022015). Collection method: clinical testing. Allele origin: germline.
Comment: This sequence change replaces arginine, which is basic and polar, with cysteine, which is neutral and slightly polar, at codon 325 of the ARHGEF18 protein (p.Arg325Cys). This variant is present in population databases (rs140149608, gnomAD 0.02%). This variant has not been reported in the literature in individuals affected with ARHGEF18-related conditions. Algorithms developed to predict the effect of missense changes on protein structure and function (SIFT, PolyPhen-2, Align-GVGD) all suggest that this variant is likely to be disruptive. In summary, the available evidence is currently insufficient to determine the role of this variant in disease. Therefore, it has been classified as a Variant of Uncertain Significance.

Breakthrough Genomics
Classification: Uncertain significance. Review status: criteria provided, single submitter. Criteria: ACMG Guidelines, 2015. Collection method: not provided. Allele origin: germline. Inheritance: Autosomal recessive inheritance. Affected: yes.

NM_001367823.1(ARHGEF18):c.1537C>T (p.Arg513Cys)

Gene: ARHGEF18 (Rho/Rac guanine nucleotide exchange factor 18; plus strand). Cytogenetic location: 19p13.2.
Variant type: single nucleotide variant.
Coding change: c.1537C>T on transcript NM_001367823.1 (MANE Select); coding-DNA position 1537, C replaced by T.
Protein change: p.Arg513Cys; replaces arginine 513 with cysteine.
Molecular consequence: missense variant.
Genome position (GRCh38, 1-based): chr19:7,444,380, C>T. VCF-style: chr19-7444380-C-T. GRCh37 (hg19) VCF-style: chr19-7509266-C-T.
Other names: c.811C>T, p.Arg271Cys (NM_001130955.2); c.499C>T, p.Arg167Cys (NM_001367824.1, NM_015318.4); short protein forms R271C, R167C, R513C.
Identifiers: ClinVar variation 1473157 (VCV001473157.5), dbSNP rs140149608, ClinGen allele CA9136497.